The following is an entry in ClinVar:

ClinVar aggregate classification (germline): Uncertain significance (1 of 4 stars; one submission).

Conditions:
Cardiovascular phenotype. Identifiers: MedGen CN230736.

Submission:

Ambry Genetics
Classification: Uncertain significance for Cardiovascular phenotype. Last evaluated: 2025-10-14. Review status: criteria provided, single submitter. Criteria: Ambry Variant Classification Scheme 2023. Collection method: clinical testing. Allele origin: germline.
Comment: The p.A413T variant (also known as c.1237G>A), located in coding exon 10 of the JAG1 gene, results from a G to A substitution at nucleotide position 1237. The alanine at codon 413 is replaced by threonine, an amino acid with similar properties. This amino acid position is conserved. In addition, the in silico prediction for this alteration is inconclusive. Based on the available evidence, the clinical significance of this variant remains unclear.

NM_000214.3(JAG1):c.1237G>A (p.Ala413Thr)

Gene: JAG1 (jagged canonical Notch ligand 1; minus strand). Cytogenetic location: 20p12.2.
Variant type: single nucleotide variant.
Coding change: c.1237G>A on transcript NM_000214.3 (MANE Select); coding-DNA position 1237, G replaced by A.
Protein change: p.Ala413Thr; replaces alanine 413 with threonine.
Molecular consequence: missense variant.
Genome position (GRCh38, 1-based): chr20:10,649,633, C>T on the plus strand (G>A on the coding strand, the complement: JAG1 is on the minus strand). VCF-style: chr20-10649633-C-T. GRCh37 (hg19) VCF-style: chr20-10630281-C-T.
Other names: short protein forms A413T.
Identifiers: ClinVar variation 4614276 (VCV004614276.1).